The following is an entry in ClinVar:

ClinVar aggregate classification (germline): Pathogenic (1 of 4 stars; one submission).

Submission:

Labcorp Genetics (formerly Invitae), Labcorp
Classification: Pathogenic. Last evaluated: 2024-12-03. Review status: criteria provided, single submitter. Criteria: Invitae Variant Classification Sherloc (09022015). Collection method: clinical testing. Allele origin: germline.
Comment: This sequence change creates a premature translational stop signal (p.Pro1344Hisfs*5) in the SRCAP gene. It is expected to result in an absent or disrupted protein product. Loss-of-function variants in SRCAP are known to be pathogenic (PMID: 33909990). This variant is not present in population databases (gnomAD no frequency). This variant has not been reported in the literature in individuals affected with SRCAP-related conditions. For these reasons, this variant has been classified as Pathogenic.

Literature cited by the submitters: PubMed 33909990.

NM_006662.3(SRCAP):c.4029del (p.Pro1344fs)

Gene: SRCAP (Snf2 related CREBBP activator protein; plus strand). Cytogenetic location: 16p11.2.
Variant type: Deletion.
Coding change: c.4029del on transcript NM_006662.3 (MANE Select); coding-DNA position 4029, one base deleted (T; older notation c.4029delT).
Protein change: p.Pro1344fs; shifts the reading frame from proline 1344.
Molecular consequence: frameshift variant.
Genome position (GRCh38, 1-based): chr16:30,723,099, T deleted. VCF-style (leftmost placement, unchanged base first): chr16-30723098-AT-A. GRCh37 (hg19) VCF-style: chr16-30734419-AT-A.
Other names: short protein forms P1344fs.
Identifiers: ClinVar variation 3726522 (VCV003726522.2).